The following is an entry in ClinVar:

NM_001261826.3(AP3D1):c.2679+3A>G

Gene: AP3D1 (adaptor related protein complex 3 subunit delta 1; minus strand). Cytogenetic location: 19p13.3.
Variant type: single nucleotide variant.
Coding change: c.2679+3A>G on transcript NM_001261826.3 (MANE Select); 3 bases into the intron after coding-DNA position 2679, A replaced by G.
Molecular consequence: intron variant.
Genome position (GRCh38, 1-based): chr19:2,113,333, T>C on the plus strand (A>G on the coding strand, the complement: AP3D1 is on the minus strand). VCF-style: chr19-2113333-T-C. GRCh37 (hg19) VCF-style: chr19-2113332-T-C.
Other names: c.2601+792A>G (NM_003938.8); c.2679+3A>G (NM_001374799.1).
Identifiers: ClinVar variation 2779897 (VCV002779897.3), dbSNP rs996188881, ClinGen allele CA2576556318.
Genomic context (GRCh38, chr19:2,113,333, plus strand): 5'-TGAGTGCCAGGTATGACCTCTGCAGACACCGAGGCTGGCACTGGCCAGCTGCCAGTCTCT[T>C]ACCGTGGATGGAACGGGGGCGGGGGCGGGGGCGGGGGCAGGCGGTGGGGTGGTAGACAGC-3'

ClinVar aggregate classification (germline): Uncertain significance (1 of 4 stars; one submission).

Allele frequency attached by ClinVar (database versions not stated): gnomAD exomes below 0.00001.
gnomAD v4.1: 2 of 921,910 alleles (0.00022%); highest among the groups gnomAD compares: Non-Finnish European, 0.0003%; no homozygotes.

Submission:

Labcorp Genetics (formerly Invitae), Labcorp
Classification: Uncertain significance. Last evaluated: 2024-01-26. Review status: criteria provided, single submitter. Criteria: Invitae Variant Classification Sherloc (09022015). Collection method: clinical testing. Allele origin: germline.
Comment: This sequence change falls in intron 23 of the AP3D1 gene. It does not directly change the encoded amino acid sequence of the AP3D1 protein. It affects a nucleotide within the consensus splice site. This variant is not present in population databases (gnomAD no frequency). This variant has not been reported in the literature in individuals affected with AP3D1-related conditions. Variants that disrupt the consensus splice site are a relatively common cause of aberrant splicing (PMID: 17576681, 9536098). Algorithms developed to predict the effect of sequence changes on RNA splicing suggest that this variant may disrupt the consensus splice site. In summary, the available evidence is currently insufficient to determine the role of this variant in disease. Therefore, it has been classified as a Variant of Uncertain Significance.

Literature cited by the submitters: PubMed 17576681; PubMed 9536098.